The following is an entry in ClinVar:

ClinVar aggregate classification (germline): Uncertain significance (1 of 4 stars; one submission).

Conditions:
Cone-rod dystrophy 6 (CORD6). Also called: RETINAL CONE DYSTROPHY 2; Cone dystrophy progressive. Identifiers: Orphanet 1872, MedGen C1866293, MONDO:0011143, OMIM 601777.
Leber congenital amaurosis 1 (LCA1). Also called: RETINAL BLINDNESS, CONGENITAL; AMAUROSIS CONGENITA OF LEBER I; Congenital absence of the rods and cones; Leber's congenital tapetoretinal degeneration; Leber's congenital tapetoretinal dysplasia. Identifiers: Orphanet 65, MedGen C2931258, MONDO:0008764, OMIM 204000.

Allele frequency attached by ClinVar (database versions not stated): gnomAD exomes below 0.00001; TOPMed below 0.00001.
gnomAD v4.1: 3 of 1,614,130 alleles (0.00019%); highest among the groups gnomAD compares: Non-Finnish European, 0.00025%; no homozygotes.

Submission:

Labcorp Genetics (formerly Invitae), Labcorp
Classification: Uncertain significance for Leber congenital amaurosis 1; Cone-rod dystrophy 6. Last evaluated: 2025-04-28. Review status: criteria provided, single submitter. Criteria: Invitae Variant Classification Sherloc (09022015). Collection method: clinical testing. Allele origin: germline.
Comment: This sequence change replaces alanine, which is neutral and non-polar, with threonine, which is neutral and polar, at codon 609 of the GUCY2D protein (p.Ala609Thr). This variant is not present in population databases (gnomAD no frequency). This variant has not been reported in the literature in individuals affected with GUCY2D-related conditions. ClinVar contains an entry for this variant (Variation ID: 965698). Invitae Evidence Modeling of protein sequence and biophysical properties (such as structural, functional, and spatial information, amino acid conservation, physicochemical variation, residue mobility, and thermodynamic stability) indicates that this missense variant is not expected to disrupt GUCY2D protein function with a negative predictive value of 95%. In summary, the available evidence is currently insufficient to determine the role of this variant in disease. Therefore, it has been classified as a Variant of Uncertain Significance.

NM_000180.4(GUCY2D):c.1825G>A (p.Ala609Thr)

Gene: GUCY2D (guanylate cyclase 2D, retinal; plus strand). Cytogenetic location: 17p13.1.
Variant type: single nucleotide variant.
Coding change: c.1825G>A on transcript NM_000180.4 (MANE Select); coding-DNA position 1825, G replaced by A.
Protein change: p.Ala609Thr; replaces alanine 609 with threonine.
Molecular consequence: missense variant.
Genome position (GRCh38, 1-based): chr17:8,012,219, G>A. VCF-style: chr17-8012219-G-A. GRCh37 (hg19) VCF-style: chr17-7915537-G-A.
Other names: short protein forms A609T.
Identifiers: ClinVar variation 965698 (VCV000965698.9), dbSNP rs1009884304, ClinGen allele CA287530897.
Genomic context (GRCh38, chr17:8,012,219, plus strand): 5'-CATGAGAACGTGGCCCTCTACCTGGGGCTTTTCCTGGCTCGGGGAGCAGAAGGCCCTGCG[G>A]CCCTCTGGGAGGGCAACCTGGCTGTGGTCTCAGAGCACTGCACGCGGGGCTCTCTTCAGG-3'
Protein context (NP_000171.1, residues 599-619): FLARGAEGPA[Ala609Thr]LWEGNLAVVS